The following is an entry in ClinVar:

NM_001458.5(FLNC):c.2390-6C>T

Gene: FLNC (filamin C; plus strand). Cytogenetic location: 7q32.1.
Variant type: single nucleotide variant.
Coding change: c.2390-6C>T on transcript NM_001458.5 (MANE Select); 6 bases into the intron before coding-DNA position 2390, C replaced by T.
Molecular consequence: intron variant.
Genome position (GRCh38, 1-based): chr7:128,842,788, C>T. VCF-style: chr7-128842788-C-T. GRCh37 (hg19) VCF-style: chr7-128482842-C-T.
Other names: c.2390-6C>T (NM_001127487.2).
Identifiers: ClinVar variation 668164 (VCV000668164.9), dbSNP rs1585157852, ClinGen allele CA915945521.
Genomic context (GRCh38, chr7:128,842,788, plus strand): 5'-GAGGGGGCGGGGGTGAGTCGAGTCGGGGGCTGAGCCCAACTCACAGCAGTGCCCGCTTCT[C>T]TGCAGGCGACGTGAGCATCGGCATCAAGTGCGCCCCAGGCGTGGTGGGCCCTGCAGAGGC-3'

ClinVar aggregate classification (germline): Likely benign. Review status: criteria provided, multiple submitters, no conflicts (2 of 4 stars). 2 submissions from 2 submitters: Likely benign (2). Last evaluated 2023-04-12.

Conditions:
Myofibrillar myopathy 5. Also called: FILAMINOPATHY, AUTOSOMAL DOMINANT; Filaminopathy (type). Identifiers: Orphanet 171445, MedGen C1836050, MONDO:0012289, OMIM 609524.
Distal myopathy with posterior leg and anterior hand involvement. Also called: WILLIAMS DISTAL MYOPATHY. Identifiers: Orphanet 63273, MedGen C3279722, MONDO:0013550, OMIM 614065.
Hypertrophic cardiomyopathy 26. Also called: Cardiomyopathy, familial hypertrophic, 26. Identifiers: Orphanet 75249, MedGen C4310749, MONDO:0014883, OMIM 617047.

Allele frequency attached by ClinVar (database versions not stated): gnomAD exomes 0.00002.
gnomAD v4.1: 15 of 1,613,394 alleles (0.00093%); highest among the groups gnomAD compares: Non-Finnish European, 0.0013%; no homozygotes.

Submissions (2):

Labcorp Genetics (formerly Invitae), Labcorp
Classification: Likely benign for Distal myopathy with posterior leg and anterior hand involvement; Myofibrillar myopathy 5; Hypertrophic cardiomyopathy 26. Last evaluated: 2023-04-12. Review status: criteria provided, single submitter. Criteria: Invitae Variant Classification Sherloc (09022015). Collection method: clinical testing. Allele origin: germline.

GeneDx
Classification: Likely benign. Last evaluated: 2018-05-09. Review status: criteria provided, single submitter. Criteria: GeneDx Variant Classification (06012015). Collection method: clinical testing. Allele origin: germline. Affected: yes.
Comment: This variant is considered likely benign or benign based on one or more of the following criteria: it is a conservative change, it occurs at a poorly conserved position in the protein, it is predicted to be benign by multiple in silico algorithms, and/or has population frequency not consistent with disease.